The following is an entry in ClinVar:

ClinVar aggregate classification (germline): Conflicting classifications of pathogenicity. Review status: criteria provided, conflicting classifications (1 of 4 stars). 6 submissions from 4 submitters: Uncertain significance (3); Likely benign (2). 1 of the submissions does not count toward it. Last evaluated 2022-04-01.

Conditions:
Gilbert syndrome. Also called: Gilbert's syndrome; HYPERBILIRUBINEMIA, GILBERT TYPE; HYPERBILIRUBINEMIA I; HYPERBILIRUBINEMIA, ARIAS TYPE; Gilbert Disease. Identifiers: MedGen C0017551, MONDO:0007745, OMIM 143500.
Lucey-Driscoll syndrome (HBLRTFN). Also called: Transient familial neonatal hyperbilirubinemia. Identifiers: Orphanet 2312, MedGen C0270210, MONDO:0009383, OMIM 237900.
UGT1A1-related disorder. Also called: UGT1A1-related disorders; UGT1A1-related condition.
Crigler-Najjar syndrome. Identifiers: Orphanet 205, MedGen C5551003, MONDO:0009044.

Allele frequency attached by ClinVar (database versions not stated): ExAC 0.00004; gnomAD exomes 0.00006 and 0.00025; gnomAD 0.00011; TOPMed 0.00013; ESP Exome Variant Server 0.00031.
gnomAD v4.1: 385 of 1,614,108 alleles (0.024%); highest among the groups gnomAD compares: Non-Finnish European, 0.031%; no homozygotes.

Submissions (6):

CeGaT Center for Human Genetics Tuebingen
Classification: Likely benign. Last evaluated: 2022-04-01. Review status: criteria provided, single submitter. Criteria: CeGaT Center For Human Genetics Tuebingen Variant Classification Criteria Version 2. Collection method: clinical testing. Allele origin: germline. Affected: yes. Observed: 1 variant allele.
Comment: UGT1A1: BP4, BP7

Labcorp Genetics (formerly Invitae), Labcorp
Classification: Likely benign. Last evaluated: 2021-11-25. Review status: criteria provided, single submitter. Criteria: Invitae Variant Classification Sherloc (09022015). Collection method: clinical testing. Allele origin: germline.

Illumina Laboratory Services, Illumina
Classification: Uncertain significance for Gilbert syndrome. Last evaluated: 2017-04-27. Review status: criteria provided, single submitter. Criteria: ICSL Variant Classification Criteria 13 December 2019. Collection method: clinical testing. Allele origin: germline.

Illumina Laboratory Services, Illumina
Classification: Uncertain significance for Crigler-Najjar syndrome. Last evaluated: 2017-04-27. Review status: criteria provided, single submitter. Criteria: ICSL Variant Classification Criteria 13 December 2019. Collection method: clinical testing. Allele origin: germline.

Illumina Laboratory Services, Illumina
Classification: Uncertain significance for Lucey-Driscoll syndrome. Last evaluated: 2017-04-27. Review status: criteria provided, single submitter. Criteria: ICSL Variant Classification Criteria 13 December 2019. Collection method: clinical testing. Allele origin: germline.

PreventionGenetics, part of Exact Sciences
Classification: Likely benign for UGT1A1-related condition. Last evaluated: 2023-04-06. Review status: no assertion criteria provided. Collection method: clinical testing. Allele origin: germline. Not counted in ClinVar's aggregate classification.
Comment: This variant is classified as likely benign based on ACMG/AMP sequence variant interpretation guidelines (Richards et al. 2015 PMID: 25741868, with internal and published modifications).

NM_000463.3(UGT1A1):c.294T>C (p.Asn98=)

Genes: UGT1A (UDP glucuronosyltransferase family 1 member A complex locus; plus strand), UGT1A1 (UDP glucuronosyltransferase family 1 member A1; plus strand), UGT1A10 (UDP glucuronosyltransferase family 1 member A10; plus strand), UGT1A3 (UDP glucuronosyltransferase family 1 member A3; plus strand), UGT1A4 (UDP glucuronosyltransferase family 1 member A4; plus strand) and 5 more. Cytogenetic location: 2q37.1.
Variant type: single nucleotide variant.
Coding change: c.294T>C on transcript NM_000463.3 (MANE Select); coding-DNA position 294, T replaced by C.
Protein change: p.Asn98=; no amino-acid change (asparagine 98 retained).
Molecular consequence: synonymous variant. On other transcripts: intron variant (9).
Genome position (GRCh38, 1-based): chr2:233,760,581, T>C. VCF-style: chr2-233760581-T-C. GRCh37 (hg19) VCF-style: chr2-234669227-T-C.
Other names: c.856-6453T>C (NM_019076.5, NM_019075.4, NM_021027.3 and 1 more transcripts); c.61-6453T>C (NM_205862.3); c.862-6453T>C (NM_001072.4); c.868-6453T>C (NM_019078.2, NM_007120.3, NM_019093.4).
Identifiers: ClinVar variation 335079 (VCV000335079.37), dbSNP rs138183896, ClinGen allele CA2179803.